The following is an entry in ClinVar:

NM_001481.3(DRC4):c.708C>G (p.Tyr236Ter)

Gene: DRC4 (dynein regulatory complex subunit 4; plus strand). Cytogenetic location: 16q24.3.
Variant type: single nucleotide variant.
Coding change: c.708C>G on transcript NM_001481.3 (MANE Select); coding-DNA position 708, C replaced by G.
Protein change: p.Tyr236Ter; replaces tyrosine 236 with a stop codon.
Molecular consequence: nonsense.
Genome position (GRCh38, 1-based): chr16:90,036,538, C>G. VCF-style: chr16-90036538-C-G. GRCh37 (hg19) VCF-style: chr16-90102946-C-G.
Other names: c.459C>G, p.Tyr153Ter (NM_001286205.2); c.132C>G, p.Tyr44Ter (NM_001286208.2); c.633C>G, p.Tyr211Ter (NM_001286209.2); short protein forms Y153*, Y211*, Y236*, Y44*.
Identifiers: ClinVar variation 4996765 (VCV004996765.1).

ClinVar aggregate classification (germline): Likely pathogenic (1 of 4 stars; one submission).

Conditions:
DRC4-related condition.

Submission:

PreventionGenetics, part of Exact Sciences
Classification: Likely pathogenic for DRC4-related condition. Last evaluated: 2025-05-30. Review status: criteria provided, single submitter. Criteria: ACMG Guidelines, 2015. Collection method: clinical testing. Allele origin: germline.
Comment: The DRC4 c.708C>G variant is predicted to result in premature protein termination (p.Tyr236*). To our knowledge, this variant has not been reported in the literature or in a large population database (gnomAD), indicating this variant is rare. Nonsense variants in GAS8 are expected to be pathogenic. This variant is interpreted as likely pathogenic.